The following is an entry in ClinVar:

NM_015662.3(IFT172):c.2687G>A (p.Trp896Ter)

Genes: IFT172 (intraflagellar transport 172; minus strand), LOC126806174 (CDK7 strongly-dependent group 2 enhancer GRCh37_chr2:27681686-27682885; plus strand). Cytogenetic location: 2p23.3.
Variant type: single nucleotide variant.
Coding change: c.2687G>A on transcript NM_015662.3 (MANE Select); coding-DNA position 2687, G replaced by A.
Protein change: p.Trp896Ter; replaces tryptophan 896 with a stop codon.
Molecular consequence: nonsense.
Genome position (GRCh38, 1-based): chr2:27,459,478, C>T on the plus strand (G>A on the coding strand, the complement: IFT172 is on the minus strand). VCF-style: chr2-27459478-C-T. GRCh37 (hg19) VCF-style: chr2-27682345-C-T.
Other names: c.2621G>A, p.Trp874Ter (NM_001410739.1); short protein forms W874*, W896*.
Identifiers: ClinVar variation 4794626 (VCV004794626.1).
Genomic context (GRCh38, chr2:27,459,478, plus strand): 5'-GGATAGTATTTGGATGCAGTGTTCCGGTCCTGTAGATCTAATATATAAATTGCCTTCTTC[C>T]ACTGGCGGGCACCCAGGGCGGCCTCAATTGCCTTAATGGAGCACCTGGCAAAGTTGGGAA-3'

ClinVar aggregate classification (germline): Pathogenic (1 of 4 stars; one submission).

Conditions:
Retinitis pigmentosa 71 (RP71). Identifiers: Orphanet 791, MedGen C4225342, MONDO:0014618, OMIM 616394.
Short-rib thoracic dysplasia 10 with or without polydactyly (SRTD10). Identifiers: Orphanet 474, MedGen C3810175, MONDO:0014284, OMIM 615630.

gnomAD v4.1: 1 of 1,614,176 alleles (0.000062%); highest among the groups gnomAD compares: South Asian, 0.0011%; no homozygotes.

Submission:

Labcorp Genetics (formerly Invitae), Labcorp
Classification: Pathogenic for Retinitis pigmentosa 71; Short-rib thoracic dysplasia 10 with or without polydactyly. Last evaluated: 2025-10-21. Review status: criteria provided, single submitter. Criteria: Invitae Variant Classification Sherloc (09022015). Collection method: clinical testing. Allele origin: germline.
Comment: This sequence change creates a premature translational stop signal (p.Trp896*) in the IFT172 gene. It is expected to result in an absent or disrupted protein product. Loss-of-function variants in IFT172 are known to be pathogenic (PMID: 24140113). This variant is not present in population databases (gnomAD no frequency). This variant has not been reported in the literature in individuals affected with IFT172-related conditions. For these reasons, this variant has been classified as Pathogenic.

Literature cited by the submitters: PubMed 24140113.